The following is an entry in ClinVar:

NM_002353.3(TACSTD2):c.*166C>T

Gene: TACSTD2 (tumor associated calcium signal transducer 2; minus strand). Cytogenetic location: 1p32.1.
Variant type: single nucleotide variant.
Coding change: c.*166C>T on transcript NM_002353.3 (MANE Select); 166 bases downstream of the stop codon, C replaced by T.
Molecular consequence: 3 prime UTR variant.
Genome position (GRCh38, 1-based): chr1:58,576,019, G>A on the plus strand (C>T on the coding strand, the complement: TACSTD2 is on the minus strand). VCF-style: chr1-58576019-G-A. GRCh37 (hg19) VCF-style: chr1-59041691-G-A.
Identifiers: ClinVar variation 297759 (VCV000297759.5), dbSNP rs7355042, ClinGen allele CA10610207.

ClinVar aggregate classification (germline): Benign (1 of 4 stars; one submission).

Conditions:
Gelatinous droplike corneal dystrophy (GDLD). Also called: AMYLOID CORNEAL DYSTROPHY, JAPANESE TYPE. Identifiers: Orphanet 98957, MedGen C0339273, MONDO:0008777, OMIM 204870.

Allele frequency attached by ClinVar (database versions not stated): gnomAD exomes 0.00103; gnomAD 0.00758 and 0.00815; 1000 Genomes Project 30x 0.00828; 1000 Genomes Project 0.00839; TOPMed 0.00912.
gnomAD v4.1: 1,845 of 791,482 alleles (0.23%); highest among the groups gnomAD compares: African/African-American, 2.6%; 18 homozygotes.

Submission:

Illumina Laboratory Services, Illumina
Classification: Benign for Gelatinous droplike corneal dystrophy. Last evaluated: 2018-01-12. Review status: criteria provided, single submitter. Criteria: ICSL Variant Classification Criteria 13 December 2019. Collection method: clinical testing. Allele origin: germline.
Comment: This variant was observed in the ICSL laboratory as part of a predisposition screen in an ostensibly healthy population. It had not been previously curated by ICSL or reported in the Human Gene Mutation Database (HGMD: prior to June 1st, 2018), and was therefore a candidate for classification through an automated scoring system. Utilizing variant allele frequency, disease prevalence and penetrance estimates, and inheritance mode, an automated score was calculated to assess if this variant is too frequent to cause the disease. Based on the score and internal cut-off values, a variant classified as benign is not then subjected to further curation. The score for this variant resulted in a classification of benign for this disease.